The following is an entry in ClinVar:

ClinVar aggregate classification (germline): Likely pathogenic (1 of 4 stars; one submission).

Conditions:
Smith-Magenis syndrome (SMS). Also called: CHROMOSOME 17p11.2 DELETION SYNDROME. Identifiers: Orphanet 819, MedGen C0795864, MONDO:0008434, OMIM 182290.

Submission:

Juno Genomics, Hangzhou Juno Genomics, Inc
Classification: Likely pathogenic for Smith-Magenis syndrome. Review status: criteria provided, single submitter. Criteria: ACMG Guidelines, 2015. Collection method: clinical testing. Allele origin: germline. Affected: yes.
Comment: Null variant in a gene where loss of function (LOF) is a known mechanism of disease.;Absent from controls (or at extremely low frequency if recessive) in Genome Aggregation Database, Exome Sequencing Project, 1000 Genomes Project, or Exome Aggregation Consortium.

NM_030665.4(RAI1):c.2521_2524del (p.Ser841fs)

Gene: RAI1 (retinoic acid induced 1; plus strand). Cytogenetic location: 17p11.2.
Variant type: Deletion.
Coding change: c.2521_2524del on transcript NM_030665.4 (MANE Select); coding-DNA positions 2521 to 2524, 4 bases deleted (AGCC; older notation c.2521_2524delAGCC).
Protein change: p.Ser841fs; shifts the reading frame from serine 841.
Molecular consequence: frameshift variant.
Genome position (GRCh38, 1-based): chr17:17,795,469-17,795,472, AGCC deleted; deleting any 4 consecutive bases within chr17:17,795,468-17,795,472 gives the same sequence; the c. name uses the placement nearest the transcript's 3' end. VCF-style (leftmost placement, unchanged base first): chr17-17795467-ACAGC-A. GRCh37 (hg19) VCF-style: chr17-17698781-ACAGC-A.
Other names: short protein forms S841fs.
Identifiers: ClinVar variation 3383013 (VCV003383013.2).